The following is an entry in ClinVar:

NM_000127.3(EXT1):c.337G>A (p.Gly113Ser)

Gene: EXT1 (exostosin glycosyltransferase 1; minus strand). Cytogenetic location: 8q24.11.
Variant type: single nucleotide variant.
Coding change: c.337G>A on transcript NM_000127.3 (MANE Select); coding-DNA position 337, G replaced by A.
Protein change: p.Gly113Ser; replaces glycine 113 with serine.
Molecular consequence: missense variant.
Genome position (GRCh38, 1-based): chr8:118,110,710, C>T on the plus strand (G>A on the coding strand, the complement: EXT1 is on the minus strand). VCF-style: chr8-118110710-C-T. GRCh37 (hg19) VCF-style: chr8-119122949-C-T.
Other names: short protein forms G113S.
Identifiers: ClinVar variation 1040694 (VCV001040694.9), dbSNP rs750116273, ClinGen allele CA4854376.

ClinVar aggregate classification (germline): Conflicting classifications of pathogenicity. Review status: criteria provided, conflicting classifications (1 of 4 stars). 3 submissions from 3 submitters: Uncertain significance (2); Likely benign (1). Last evaluated 2025-07-04.

Conditions:
Hereditary cancer. Identifiers: MedGen C1333600.
Multiple congenital exostosis (EXT). Also called: Multiple exostoses; Hereditary multiple exostoses; Hereditary multiple exostosis; Hereditary multiple osteochondromas; Multiple osteochondromas; MULTIPLE CARTILAGINOUS EXOSTOSES. Identifiers: Orphanet 321, MedGen C0015306, MONDO:0005508, HP:0002762.

Allele frequency attached by ClinVar (database versions not stated): gnomAD exomes 0.00003 and 0.00004; ExAC 0.00002; gnomAD 0.00005 and 0.00006; TOPMed 0.00002.
gnomAD v4.1: 58 of 1,614,026 alleles (0.0036%); highest among the groups gnomAD compares: Non-Finnish European, 0.0047%; no homozygotes.

Submissions (3):

Dasa
Classification: Uncertain significance. Last evaluated: 2025-07-04. Review status: criteria provided, single submitter. Criteria: DASA Assertion Criteria. Collection method: clinical testing. Allele origin: germline.
Comment: NM_000127.3(EXT1):c.337G>A (p.Gly113Ser) is a missense variant that results in the substitution of glycine with serine. This variant is rare in population databases. Computational prediction algorithms are consistent with a deleterious effect. The currently available literature and clinical evidence are not sufficient to establish a definitive association between this variant and the reported condition. Therefore, this variant is classified as a variant of uncertain significance.

Mendelics
Classification: Likely benign for Hereditary cancer. Last evaluated: 2025-02-26. Review status: criteria provided, single submitter. Criteria: ACMG Guidelines, 2015. Collection method: clinical testing. Allele origin: unknown.
Comment: This variant is considered likely benign or benign based on one or more of the following: it is predicted to be benign by multiple in silico algorithms, and/or has population frequency not consistent with disease, and/or has normal protein function, and/or has lack of segregation with disease, and/or has been detected in co-occurrence with known pathogenic variant, and/or has lack of disease association in case-control studies, and/or is located in a region inconsistent with a known cause of pathogenicity.

Labcorp Genetics (formerly Invitae), Labcorp
Classification: Uncertain significance for Multiple congenital exostosis. Last evaluated: 2024-11-19. Review status: criteria provided, single submitter. Criteria: Invitae Variant Classification Sherloc (09022015). Collection method: clinical testing. Allele origin: germline.
Comment: This sequence change replaces glycine, which is neutral and non-polar, with serine, which is neutral and polar, at codon 113 of the EXT1 protein (p.Gly113Ser). This variant is present in population databases (rs750116273, gnomAD 0.009%). This variant has not been reported in the literature in individuals affected with EXT1-related conditions. ClinVar contains an entry for this variant (Variation ID: 1040694). Invitae Evidence Modeling of protein sequence and biophysical properties (such as structural, functional, and spatial information, amino acid conservation, physicochemical variation, residue mobility, and thermodynamic stability) indicates that this missense variant is not expected to disrupt EXT1 protein function with a negative predictive value of 80%. In summary, the available evidence is currently insufficient to determine the role of this variant in disease. Therefore, it has been classified as a Variant of Uncertain Significance.